The following is an entry in ClinVar:

NM_001042492.3(NF1):c.6025G>T (p.Val2009Phe)

Gene: NF1 (neurofibromin 1; plus strand). Cytogenetic location: 17q11.2.
Variant type: single nucleotide variant.
Coding change: c.6025G>T on transcript NM_001042492.3 (MANE Select); coding-DNA position 6025, G replaced by T.
Protein change: p.Val2009Phe; replaces valine 2009 with phenylalanine.
Molecular consequence: missense variant.
Genome position (GRCh38, 1-based): chr17:31,336,351, G>T. VCF-style: chr17-31336351-G-T. GRCh37 (hg19) VCF-style: chr17-29663369-G-T.
Other names: c.5962G>T, p.Val1988Phe (NM_000267.4); short protein forms V1988F, V2009F.
Identifiers: ClinVar variation 2743170 (VCV002743170.3), dbSNP rs2508744556, ClinGen allele CA399011035.

ClinVar aggregate classification (germline): Uncertain significance (1 of 4 stars; one submission).

Conditions:
Neurofibromatosis, type 1 (NF1). Also called: Peripheral type neurofibromatosis; NEUROFIBROMATOSIS, TYPE I, SOMATIC; VON RECKLINGHAUSEN DISEASE; Neurofibromatosis, type I. Identifiers: Orphanet 636, MedGen C0027831, MONDO:0018975, OMIM 162200. Disease mechanism: loss of function.

Submission:

Labcorp Genetics (formerly Invitae), Labcorp
Classification: Uncertain significance for Neurofibromatosis, type 1. Last evaluated: 2023-07-14. Review status: criteria provided, single submitter. Criteria: Invitae Variant Classification Sherloc (09022015). Collection method: clinical testing. Allele origin: germline.
Comment: Advanced modeling of protein sequence and biophysical properties (such as structural, functional, and spatial information, amino acid conservation, physicochemical variation, residue mobility, and thermodynamic stability) performed at Invitae indicates that this missense variant is expected to disrupt NF1 protein function. In summary, the available evidence is currently insufficient to determine the role of this variant in disease. Therefore, it has been classified as a Variant of Uncertain Significance. This variant has not been reported in the literature in individuals affected with NF1-related conditions. This variant is not present in population databases (gnomAD no frequency). This sequence change replaces valine, which is neutral and non-polar, with phenylalanine, which is neutral and non-polar, at codon 1988 of the NF1 protein (p.Val1988Phe).